The following is an entry in ClinVar:

NM_022124.6(CDH23):c.10021C>T (p.Arg3341Cys)

Gene: CDH23 (cadherin related 23; plus strand). Cytogenetic location: 10q22.1.
Variant type: single nucleotide variant.
Coding change: c.10021C>T on transcript NM_022124.6 (MANE Select); coding-DNA position 10021, C replaced by T.
Protein change: p.Arg3341Cys; replaces arginine 3341 with cysteine.
Molecular consequence: missense variant.
Genome position (GRCh38, 1-based): chr10:71,815,234, C>T. VCF-style: chr10-71815234-C-T. GRCh37 (hg19) VCF-style: chr10-73574991-C-T.
Other names: c.3301C>T, p.Arg1101Cys (NM_001171933.1); c.3196C>T, p.Arg1066Cys (NM_001171934.1); c.712C>T, p.Arg238Cys (NM_001171935.1); c.607C>T, p.Arg203Cys (NM_001171936.1); short protein forms R3341C, R1101C, R203C, R238C, R1066C.
Identifiers: ClinVar variation 198640 (VCV000198640.64), dbSNP rs370074117, ClinGen allele CA247413.

ClinVar aggregate classification (germline): Conflicting classifications of pathogenicity. Review status: criteria provided, conflicting classifications (1 of 4 stars). 12 submissions from 12 submitters: Uncertain significance (8); Likely benign (2). 2 of the submissions do not count toward it. Last evaluated 2026-08-18.

Conditions:
Autosomal recessive nonsyndromic hearing loss 12. Also called: DEAFNESS, AUTOSOMAL RECESSIVE 12. Identifiers: Orphanet 90636, MedGen C1832394, MONDO:0011067, OMIM 601386.
Usher syndrome type 1D (USH1D). Also called: USHER SYNDROME, TYPE ID. Identifiers: Orphanet 231169, Orphanet 886, MedGen C1832845, MONDO:0010984, OMIM 601067.
Pituitary adenoma 5, multiple types. Identifiers: MedGen C4539685, MONDO:0054601, OMIM 617540.
CDH23-related disorder. Also called: CDH23-related condition; CDH23-related disorders.
Inborn genetic diseases. Identifiers: MedGen C0950123, MeSH D030342.
Retinal dystrophy. Also called: Inherited retinal dystrophy. Identifiers: Orphanet 71862, MedGen C0854723, MeSH D058499, MONDO:0019118, HP:0000556.
Usher syndrome type 1 (USH1). Also called: RETINITIS PIGMENTOSA AND CONGENITAL DEAFNESS. Identifiers: Orphanet 231169, Orphanet 886, MedGen C1568247, MONDO:0010168, OMIM 276900.

Allele frequency attached by ClinVar (database versions not stated): ESP Exome Variant Server 0.00008; TOPMed 0.00012; gnomAD exomes 0.00018 and 0.00024; gnomAD 0.00029 and 0.00031; ExAC 0.00030.
gnomAD v4.1: 305 of 1,593,886 alleles (0.019%); highest among the groups gnomAD compares: Non-Finnish European, 0.02%; no homozygotes.

Submissions (12):

PreventionGenetics, part of Exact Sciences
Classification: Uncertain significance for CDH23-related condition. Last evaluated: 2026-08-18. Review status: criteria provided, single submitter. Criteria: ACMG Guidelines, 2015. Collection method: clinical testing. Allele origin: germline.
Comment: The CDH23 c.10021C>T variant is predicted to result in the amino acid substitution p.Arg3341Cys. To our knowledge, this variant has not been reported in the literature. This variant is reported in 0.065% of alleles in individuals of European (Finnish) descent in gnomAD, which may be too frequent to be a primary cause of disease. Although we suspect that this variant may be benign, at this time, the clinical significance of this variant is uncertain due to the absence of conclusive functional and genetic evidence.

Labcorp Genetics (formerly Invitae), Labcorp
Classification: Likely benign. Last evaluated: 2025-11-08. Review status: criteria provided, single submitter. Criteria: Invitae Variant Classification Sherloc (09022015). Collection method: clinical testing. Allele origin: germline.

Ambry Genetics
Classification: Uncertain significance for Inborn genetic diseases. Last evaluated: 2025-05-28. Review status: criteria provided, single submitter. Criteria: Ambry Variant Classification Scheme 2023. Collection method: clinical testing. Allele origin: germline.

Blueprint Genetics
Classification: Likely benign. Last evaluated: 2024-09-04. Review status: criteria provided, single submitter. Criteria: ACMG Guidelines, 2015. Collection method: clinical testing. Allele origin: germline.

Fulgent Genetics
Classification: Uncertain significance for Usher syndrome type 1D; Autosomal recessive nonsyndromic hearing loss 12; Pituitary adenoma 5, multiple types. Last evaluated: 2024-02-19. Review status: criteria provided, single submitter. Criteria: ACMG Guidelines, 2015. Collection method: clinical testing. Allele origin: germline.

GeneDx
Classification: Uncertain significance. Last evaluated: 2022-12-20. Review status: criteria provided, single submitter. Criteria: GeneDx Variant Classification Process June 2021. Collection method: clinical testing. Allele origin: germline. Affected: yes.
Comment: In silico analysis supports that this missense variant does not alter protein structure/function; Has not been previously published as pathogenic or benign to our knowledge

Institute for Clinical Genetics, University Hospital TU Dresden, University Hospital TU Dresden
Classification: Uncertain significance. Last evaluated: 2021-11-03. Review status: criteria provided, single submitter. Criteria: ACMG Guidelines, 2015. Collection method: clinical testing. Allele origin: germline.

Laboratory for Molecular Medicine, Mass General Brigham Personalized Medicine
Classification: Uncertain significance. Last evaluated: 2020-07-10. Review status: criteria provided, single submitter. Criteria: LMM Criteria. Collection method: clinical testing. Allele origin: germline. Observed: 1 variant allele.
Comment: The p.Arg3341Cys variant in CDH23 has not been previously reported in individuals with hearing loss or Usher syndrome, but has been identified in 0.06% (16/24554) of Finnish chromosomes by gnomAD. This variant has also been reported in ClinVar (Variation ID 198640). Computational prediction tools and conservation analyses do not provide strong support for or against an impact to the protein. In summary, the clinical significance of this variant is uncertain. ACMG/AMP Criteria applied: PM2_Supporting.

CeGaT Center for Human Genetics Tuebingen
Classification: Uncertain significance. Last evaluated: 2017-07-01. Review status: criteria provided, single submitter. Criteria: CeGaT Center For Human Genetics Tuebingen Variant Classification Criteria Version 2. Collection method: clinical testing. Allele origin: germline. Affected: yes. Observed: 1 variant allele.

Eurofins Ntd Llc (ga)
Classification: Uncertain significance. Last evaluated: 2015-01-29. Review status: criteria provided, single submitter. Criteria: EGL Classification Definitions 2015. Collection method: clinical testing. Allele origin: germline. Observed: 1 variant allele, 1 heterozygote.

Institute of Human Genetics, Univ. Regensburg, Univ. Regensburg
Classification: Uncertain significance for Retinal dystrophy. Last evaluated: 2022-01-01. Review status: no assertion criteria provided. Criteria: ACMG Guidelines, 2015. Collection method: clinical testing. Allele origin: germline. Affected: yes. Not counted in ClinVar's aggregate classification.

Natera, Inc.
Classification: Uncertain significance for Usher syndrome type 1. Last evaluated: 2020-02-17. Review status: no assertion criteria provided. Collection method: clinical testing. Allele origin: germline. Not counted in ClinVar's aggregate classification.